The following is an entry in ClinVar:

ClinVar aggregate classification (germline): Uncertain significance (1 of 4 stars; one submission).

Submission:

GeneDx
Classification: Uncertain significance. Last evaluated: 2023-12-13. Review status: criteria provided, single submitter. Criteria: GeneDx Variant Classification Process June 2021. Collection method: clinical testing. Allele origin: germline. Affected: yes.
Comment: Not observed at significant frequency in large population cohorts (gnomAD); In silico analysis supports that this missense variant does not alter protein structure/function; Has not been previously published as pathogenic or benign to our knowledge

NM_005445.4(SMC3):c.3176A>G (p.Lys1059Arg)

Gene: SMC3 (structural maintenance of chromosomes 3; plus strand). Cytogenetic location: 10q25.2.
Variant type: single nucleotide variant.
Coding change: c.3176A>G on transcript NM_005445.4 (MANE Select); coding-DNA position 3176, A replaced by G.
Protein change: p.Lys1059Arg; replaces lysine 1059 with arginine.
Molecular consequence: missense variant.
Genome position (GRCh38, 1-based): chr10:110,602,544, A>G. VCF-style: chr10-110602544-A-G. GRCh37 (hg19) VCF-style: chr10-112362302-A-G.
Other names: short protein forms K1059R.
Identifiers: ClinVar variation 3365565 (VCV003365565.1).